The following is an entry in ClinVar:

NM_017617.5(NOTCH1):c.5425A>C (p.Asn1809His)

Gene: NOTCH1 (notch receptor 1; minus strand). Cytogenetic location: 9q34.3.
Variant type: single nucleotide variant.
Coding change: c.5425A>C on transcript NM_017617.5 (MANE Select); coding-DNA position 5425, A replaced by C.
Protein change: p.Asn1809His; replaces asparagine 1809 with histidine.
Molecular consequence: missense variant.
Genome position (GRCh38, 1-based): chr9:136,502,048, T>G on the plus strand (A>C on the coding strand, the complement: NOTCH1 is on the minus strand). VCF-style: chr9-136502048-T-G. GRCh37 (hg19) VCF-style: chr9-139396500-T-G.
Other names: short protein forms N1809H.
Identifiers: ClinVar variation 1186738 (VCV001186738.2), dbSNP rs2133329950, ClinGen allele CA375640061.

ClinVar aggregate classification (germline): Uncertain significance (1 of 4 stars; one submission).

Submission:

GeneDx
Classification: Uncertain significance. Last evaluated: 2019-04-09. Review status: criteria provided, single submitter. Criteria: GeneDx Variant Classification Process June 2021. Collection method: clinical testing. Allele origin: germline. Affected: yes.
Comment: Has not been reported previously as a pathogenic or benign germline variant, to our knowledge; Not observed in large population cohorts (Lek et al., 2016); In silico analysis, which includes protein predictors and evolutionary conservation, supports that this variant does not alter protein structure/function; This variant is associated with the following publications: (PMID: 27228302)